The following is an entry in ClinVar:

NM_001009944.3(PKD1):c.5602G>T (p.Ala1868Ser)

Gene: PKD1 (polycystin 1, transient receptor potential channel interacting; minus strand). Cytogenetic location: 16p13.3.
Variant type: single nucleotide variant.
Coding change: c.5602G>T on transcript NM_001009944.3 (MANE Select); coding-DNA position 5602, G replaced by T.
Protein change: p.Ala1868Ser; replaces alanine 1868 with serine.
Molecular consequence: missense variant.
Genome position (GRCh38, 1-based): chr16:2,109,565, C>A on the plus strand (G>T on the coding strand, the complement: PKD1 is on the minus strand). VCF-style: chr16-2109565-C-A. GRCh37 (hg19) VCF-style: chr16-2159566-C-A.
Other names: c.5602G>T, p.Ala1868Ser (NM_000296.4); short protein forms A1868S.
Identifiers: ClinVar variation 3369763 (VCV003369763.2).

ClinVar aggregate classification (germline): Uncertain significance (1 of 4 stars; one submission).

gnomAD v4.1: 7 of 1,611,742 alleles (0.00043%); highest among the groups gnomAD compares: Admixed American, 0.0067%; no homozygotes.

Submission:

GeneDx
Classification: Uncertain significance. Last evaluated: 2025-01-16. Review status: criteria provided, single submitter. Criteria: GeneDx Variant Classification Process June 2021. Collection method: clinical testing. Allele origin: germline.
Comment: Identified in a patient reported to have autosomal dominant polycystic kidney disease in published literature (PMID: 35778421) but additional evidence is not available; In silico analysis indicates that this missense variant does not alter protein structure/function; This variant is associated with the following publications: (PMID: 35778421)